The following is an entry in ClinVar:

ClinVar aggregate classification (germline): Conflicting classifications of pathogenicity. Review status: criteria provided, conflicting classifications (1 of 4 stars). 2 submissions from 2 submitters: Uncertain significance (1); Likely benign (1). Last evaluated 2024-09-30.

Allele frequency attached by ClinVar (database versions not stated): gnomAD 0.00001; gnomAD exomes 0.00001.
gnomAD v4.1: 11 of 1,523,704 alleles (0.00072%); highest among the groups gnomAD compares: African/African-American, 0.0014%; no homozygotes.

Submissions (2):

Blueprint Genetics
Classification: Likely benign. Last evaluated: 2024-09-30. Review status: criteria provided, single submitter. Criteria: ACMG Guidelines, 2015. Collection method: clinical testing. Allele origin: germline.

Labcorp Genetics (formerly Invitae), Labcorp
Classification: Uncertain significance. Last evaluated: 2022-05-25. Review status: criteria provided, single submitter. Criteria: Invitae Variant Classification Sherloc (09022015). Collection method: clinical testing. Allele origin: germline.
Comment: This sequence change replaces histidine, which is basic and polar, with tyrosine, which is neutral and polar, at codon 267 of the ARID1B protein (p.His267Tyr). The frequency data for this variant in the population databases is considered unreliable, as metrics indicate poor data quality at this position in the gnomAD database. In summary, the available evidence is currently insufficient to determine the role of this variant in disease. Therefore, it has been classified as a Variant of Uncertain Significance. Algorithms developed to predict the effect of missense changes on protein structure and function are either unavailable or do not agree on the potential impact of this missense change (SIFT: "Deleterious"; PolyPhen-2: "Not Available"; Align-GVGD: "Class C0"). This variant has not been reported in the literature in individuals affected with ARID1B-related conditions.

NM_001374828.1(ARID1B):c.1048C>T (p.His350Tyr)

Gene: ARID1B (AT-rich interaction domain 1B; plus strand). Cytogenetic location: 6q25.3.
Variant type: single nucleotide variant.
Coding change: c.1048C>T on transcript NM_001374828.1 (MANE Select); coding-DNA position 1048, C replaced by T.
Protein change: p.His350Tyr; replaces histidine 350 with tyrosine.
Molecular consequence: missense variant.
Genome position (GRCh38, 1-based): chr6:156,778,728, C>T. VCF-style: chr6-156778728-C-T. GRCh37 (hg19) VCF-style: chr6-157099862-C-T.
Other names: c.799C>T, p.His267Tyr (NM_001346813.1, NM_020732.3); c.1048C>T, p.His350Tyr (NM_001371656.1, NM_001374820.1, NM_017519.3); c.625C>T, p.His209Tyr (NM_175863.2); short protein forms H209Y, H350Y, H267Y.
Identifiers: ClinVar variation 2158367 (VCV002158367.5), dbSNP rs1344255932, ClinGen allele CA366382953.